The following is an entry in ClinVar:

NM_006642.5(SDCCAG8):c.705G>A (p.Lys235=)

Gene: SDCCAG8 (SHH signaling and ciliogenesis regulator SDCCAG8; plus strand). Cytogenetic location: 1q43.
Variant type: single nucleotide variant.
Coding change: c.705G>A on transcript NM_006642.5 (MANE Select); coding-DNA position 705, G replaced by A.
Protein change: p.Lys235=; no amino-acid change (lysine 235 retained).
Molecular consequence: synonymous variant. On other transcripts: 5 prime UTR variant (3).
Genome position (GRCh38, 1-based): chr1:243,304,742, G>A. VCF-style: chr1-243304742-G-A. GRCh37 (hg19) VCF-style: chr1-243468044-G-A.
Other names: c.-408G>A (NM_001350246.2); c.-296G>A (NM_001350247.2); c.801G>A, p.Lys267= (NM_001350248.2); c.411G>A, p.Lys137= (NM_001350249.2); c.-573G>A (NM_001350251.2).
Identifiers: ClinVar variation 3042711 (VCV003042711.3), dbSNP rs762499427, ClinGen allele CA1483407.

ClinVar aggregate classification (germline): Likely benign. Review status: criteria provided, single submitter (1 of 4 stars). 2 submissions from 2 submitters: Likely benign (1). 1 of the submissions does not count toward it. Last evaluated 2026-01-03.

Conditions:
SDCCAG8-related disorder. Also called: SDCCAG8-related condition; SDCCAG8-Related Disorders.
Senior-Loken syndrome 7 (SLSN7). Identifiers: Orphanet 3156, MedGen C3150877, MONDO:0013326, OMIM 613615.
Bardet-Biedl syndrome 16 (BBS16). Identifiers: Orphanet 110, MedGen C3889474, MONDO:0014444, OMIM 615993.

Allele frequency attached by ClinVar (database versions not stated): ExAC 0.00001; TOPMed 0.00003; gnomAD 0.00004.
gnomAD v4.1: 9 of 1,595,672 alleles (0.00056%); highest among the groups gnomAD compares: African/African-American, 0.012%; no homozygotes.

Submissions (2):

Labcorp Genetics (formerly Invitae), Labcorp
Classification: Likely benign for Bardet-Biedl syndrome 16; Senior-Loken syndrome 7. Last evaluated: 2026-01-03. Review status: criteria provided, single submitter. Criteria: Invitae Variant Classification Sherloc (09022015). Collection method: clinical testing. Allele origin: germline.

PreventionGenetics, part of Exact Sciences
Classification: Likely benign for SDCCAG8-related condition. Last evaluated: 2022-01-17. Review status: no assertion criteria provided. Collection method: clinical testing. Allele origin: germline. Not counted in ClinVar's aggregate classification.
Comment: This variant is classified as likely benign based on ACMG/AMP sequence variant interpretation guidelines (Richards et al. 2015 PMID: 25741868, with internal and published modifications).